The following is an entry in ClinVar:

NM_006593.4(TBR1):c.1237G>A (p.Asp413Asn)

Gene: TBR1 (T-box brain transcription factor 1; plus strand). Cytogenetic location: 2q24.2.
Variant type: single nucleotide variant.
Coding change: c.1237G>A on transcript NM_006593.4 (MANE Select); coding-DNA position 1237, G replaced by A.
Protein change: p.Asp413Asn; replaces aspartic acid 413 with asparagine.
Molecular consequence: missense variant.
Genome position (GRCh38, 1-based): chr2:161,423,415, G>A. VCF-style: chr2-161423415-G-A. GRCh37 (hg19) VCF-style: chr2-162279926-G-A.
Other names: short protein forms D413N.
Identifiers: ClinVar variation 4538983 (VCV004538983.1).

ClinVar aggregate classification (germline): Uncertain significance (1 of 4 stars; one submission).

Submission:

GeneDx
Classification: Uncertain significance. Last evaluated: 2025-06-22. Review status: criteria provided, single submitter. Criteria: GeneDx Variant Classification Process June 2021. Collection method: clinical testing. Allele origin: germline. Affected: yes.
Comment: Not observed at significant frequency in large population cohorts (gnomAD); In silico analysis suggests that this missense variant does not alter protein structure/function; Has not been previously published as pathogenic or benign to our knowledge